The following is an entry in ClinVar:

ClinVar aggregate classification (germline): Conflicting classifications of pathogenicity. Review status: criteria provided, conflicting classifications (1 of 4 stars). 5 submissions from 5 submitters: Likely pathogenic (3); Uncertain significance (1). 1 of the submissions does not count toward it. Last evaluated 2026-02-04.

Conditions:
BSCL2-related disorder. Also called: BSCL2-Related Disorders; BSCL2-related condition.
Charcot-Marie-Tooth disease type 2. Also called: Charcot-Marie-Tooth type 2. Identifiers: Orphanet 64746, MedGen C0270914, MONDO:0018993.
Berardinelli-Seip congenital lipodystrophy. Identifiers: Orphanet 528, MedGen CN262437, MONDO:0018883.

Allele frequency attached by ClinVar (database versions not stated): gnomAD exomes below 0.00001; gnomAD 0.00001; TOPMed 0.00002.
gnomAD v4.1: 6 of 1,606,172 alleles (0.00037%); highest among the groups gnomAD compares: African/African-American, 0.0013%; no homozygotes.

Submissions (5):

PreventionGenetics, part of Exact Sciences
Classification: Likely pathogenic for BSCL2-related condition. Last evaluated: 2026-02-04. Review status: criteria provided, single submitter. Criteria: ACMG Guidelines, 2015. Collection method: clinical testing. Allele origin: germline.
Comment: The BSCL2 c.405-11A>G variant is predicted to interfere with splicing. This variant, also described in the literature as IVS2-11A>G and as c.213-11A>G in NM_032667, has been reported in the homozygous state in a pair of twins diagnosed with autosomal recessive Berardinelli-Seip lipodystrophy (Mandal et al. 2006. PubMed ID: 16735770). This variant has also been reported in the presumed compound heterozygous state with a frameshift-inducing BSCL2 deletion in one individual from a case series of patients with congenital generalized lipodystrophy (CGL; Costa-Riquetto et al. 2020. PubMed ID: 34033296). This variant is predicted to cause altered splicing based on available splicing prediction programs (SpliceAI; Jaganathan et al. 2019. PubMed ID: 30661751). RNA sequencing of blood from a homozygous patient reportedly showed activation of a cryptic splice acceptor site leading to a frameshift-inducing insertion of 10 intronic base pairs and premature protein termination; however, data from this study was not presented in the case report (Mandal et al. 2006. PubMed ID: 16735770). This variant is reported in 0.00088% of alleles in individuals of European (non-Finnish) descent in gnomAD. In summary, the c.405-11A>G variant is interpreted as likely pathogenic for autosomal recessive BSCL2-related disorders.

GeneDx
Classification: Likely pathogenic. Last evaluated: 2023-10-02. Review status: criteria provided, single submitter. Criteria: GeneDx Variant Classification Process June 2021. Collection method: clinical testing. Allele origin: germline. Affected: yes.
Comment: Published functional studies demonstrate abnormal splicing resulting in an insertion and frame shift (Mandal et al., 2006); In silico analysis supports a deleterious effect on splicing; Not observed at significant frequency in large population cohorts (gnomAD); This variant is associated with the following publications: (PMID: 16735770, 32876150, 34033296, 14557463)

Labcorp Genetics (formerly Invitae), Labcorp
Classification: Likely pathogenic for Charcot-Marie-Tooth disease type 2. Last evaluated: 2023-05-22. Review status: criteria provided, single submitter. Criteria: Invitae Variant Classification Sherloc (09022015). Collection method: clinical testing. Allele origin: germline.
Comment: This variant is present in population databases (no rsID available, gnomAD 0.0009%). In summary, the currently available evidence indicates that the variant is pathogenic, but additional data are needed to prove that conclusively. Therefore, this variant has been classified as Likely Pathogenic. Studies have shown that this variant is associated with altered splicing resulting in 10 base pair insertion and frameshift, however the data was not shown (PMID: 16735770). ClinVar contains an entry for this variant (Variation ID: 1418830). This variant is also known as c.IVS2-11A>G. This variant has been observed in individuals with autosomal recessive Berardinelli-Seip congenital lipodystrophy (PMID: 16735770, 32876150). This variant has been reported in individual(s) with clinical features of autosomal dominant Charcot-Marie-Tooth disease (Invitae); however, the role of the variant in this condition is currently unclear. This sequence change falls in intron 2 of the BSCL2 gene. It does not directly change the encoded amino acid sequence of the BSCL2 protein.

CeGaT Center for Human Genetics Tuebingen
Classification: Uncertain significance. Last evaluated: 2022-05-01. Review status: criteria provided, single submitter. Criteria: CeGaT Center For Human Genetics Tuebingen Variant Classification Criteria Version 2. Collection method: clinical testing. Allele origin: germline. Affected: yes. Observed: 1 variant allele.
Comment: BSCL2: PP3

Inherited Neuropathy Consortium Ii, University Of Miami
Classification: Uncertain significance for Berardinelli-Seip congenital lipodystrophy. Last evaluated: 2016-01-06. Review status: no assertion criteria provided. Collection method: literature only. Allele origin: germline. Affected: yes. Not counted in ClinVar's aggregate classification.

Literature cited by the submitters: PubMed 16735770 (cited by Labcorp Genetics (formerly Invitae), Labcorp); PubMed 32876150 (cited by Labcorp Genetics (formerly Invitae), Labcorp); PubMed 14557463 (cited by Inherited Neuropathy Consortium Ii, University Of Miami).

NM_001122955.4(BSCL2):c.405-11A>G

Genes: BSCL2 (BSCL2 lipid droplet biogenesis associated, seipin; minus strand), HNRNPUL2-BSCL2 (HNRNPUL2-BSCL2 readthrough (NMD candidate); minus strand). Cytogenetic location: 11q12.3.
Variant type: single nucleotide variant.
Coding change: c.405-11A>G on transcript NM_001122955.4 (MANE Select); 11 bases into the intron before coding-DNA position 405, A replaced by G.
Molecular consequence: intron variant.
Genome position (GRCh38, 1-based): chr11:62,702,560, T>C on the plus strand (A>G on the coding strand, the complement: BSCL2 is on the minus strand). VCF-style: chr11-62702560-T-C. GRCh37 (hg19) VCF-style: chr11-62470032-T-C.
Other names: c.213-11A>G (NM_001130702.2, NM_032667.6); c.405-11A>G (NM_001386028.1, NM_001386027.1, NM_001122955.3).
Identifiers: ClinVar variation 1418830 (VCV001418830.34), dbSNP rs1434874435, ClinGen allele CA599561054.